The following is an entry in ClinVar:

ClinVar aggregate classification (germline): Uncertain significance (1 of 4 stars; one submission).

Conditions:
Intellectual developmental disorder, X-linked 1. Also called: Atkin Flaitz Patil Smith syndrome; Intellectual disability, X-linked 1; MENTAL RETARDATION, X-LINKED 18; MENTAL RETARDATION, X-LINKED 78. Identifiers: Orphanet 777, MedGen C2931498, MONDO:0010656, OMIM 309530.

Submission:

Labcorp Genetics (formerly Invitae), Labcorp
Classification: Uncertain significance for Intellectual developmental disorder, X-linked 1. Last evaluated: 2023-10-16. Review status: criteria provided, single submitter. Criteria: Invitae Variant Classification Sherloc (09022015). Collection method: clinical testing. Allele origin: germline.
Comment: This sequence change replaces proline, which is neutral and non-polar, with glutamine, which is neutral and polar, at codon 1223 of the IQSEC2 protein (p.Pro1223Gln). This variant is not present in population databases (gnomAD no frequency). This variant has not been reported in the literature in individuals affected with IQSEC2-related conditions. Advanced modeling of protein sequence and biophysical properties (such as structural, functional, and spatial information, amino acid conservation, physicochemical variation, residue mobility, and thermodynamic stability) performed at Invitae indicates that this missense variant is not expected to disrupt IQSEC2 protein function. In summary, the available evidence is currently insufficient to determine the role of this variant in disease. Therefore, it has been classified as a Variant of Uncertain Significance.

NM_001111125.3(IQSEC2):c.3668C>A (p.Pro1223Gln)

Gene: IQSEC2 (IQ motif and Sec7 domain ArfGEF 2; minus strand). Cytogenetic location: Xp11.22.
Variant type: single nucleotide variant.
Coding change: c.3668C>A on transcript NM_001111125.3 (MANE Select); coding-DNA position 3668, C replaced by A.
Protein change: p.Pro1223Gln; replaces proline 1223 with glutamine.
Molecular consequence: missense variant. On other transcripts: 3 prime UTR variant (2).
Genome position (GRCh38, 1-based): chrX:53,235,018, G>T on the plus strand (C>A on the coding strand, the complement: IQSEC2 is on the minus strand). VCF-style: chrX-53235018-G-T. GRCh37 (hg19) VCF-style: chrX-53264200-G-T.
Other names: c.*153C>A (NM_001410736.1, NM_015075.2); short protein forms P1223Q.
Identifiers: ClinVar variation 2800787 (VCV002800787.3), dbSNP rs1161354303, ClinGen allele CA413141601.